The following is an entry in ClinVar:

ClinVar aggregate classification (germline): Uncertain significance. Review status: criteria provided, multiple submitters, no conflicts (2 of 4 stars). 2 submissions from 2 submitters: Uncertain significance (2). Last evaluated 2025-12-17.

Conditions:
Alstrom syndrome (ALMS). Identifiers: Orphanet 64, MedGen C0268425, MONDO:0008763, OMIM 203800.
Cardiovascular phenotype. Identifiers: MedGen CN230736.

gnomAD v4.1: 7 of 1,614,022 alleles (0.00043%); highest among the groups gnomAD compares: Non-Finnish European, 0.00059%; no homozygotes.

Submissions (2):

Labcorp Genetics (formerly Invitae), Labcorp
Classification: Uncertain significance for Alstrom syndrome. Last evaluated: 2025-12-17. Review status: criteria provided, single submitter. Criteria: Invitae Variant Classification Sherloc (09022015). Collection method: clinical testing. Allele origin: germline.
Comment: This sequence change replaces aspartic acid, which is acidic and polar, with histidine, which is basic and polar, at codon 2214 of the ALMS1 protein (p.Asp2214His). This variant is not present in population databases (gnomAD no frequency). This variant has not been reported in the literature in individuals affected with ALMS1-related conditions. ClinVar contains an entry for this variant (Variation ID: 1954518). Experimental studies and prediction algorithms are not available or were not evaluated, and the functional significance of this variant is currently unknown. In summary, the available evidence is currently insufficient to determine the role of this variant in disease. Therefore, it has been classified as a Variant of Uncertain Significance.

Ambry Genetics
Classification: Uncertain significance for Cardiovascular phenotype. Last evaluated: 2025-04-02. Review status: criteria provided, single submitter. Criteria: Ambry Variant Classification Scheme 2023. Collection method: clinical testing. Allele origin: germline.
Comment: The p.D2214H variant (also known as c.6640G>C), located in coding exon 8 of the ALMS1 gene, results from a G to C substitution at nucleotide position 6640. The aspartic acid at codon 2214 is replaced by histidine, an amino acid with similar properties. This amino acid position is poorly conserved in available vertebrate species. In addition, this alteration is predicted to be tolerated by in silico analysis. Since supporting evidence is limited at this time, the clinical significance of this alteration remains unclear.

NM_001378454.1(ALMS1):c.6637G>C (p.Asp2213His)

Gene: ALMS1 (ALMS1 centrosome and basal body associated protein; plus strand). Cytogenetic location: 2p13.1.
Variant type: single nucleotide variant.
Coding change: c.6637G>C on transcript NM_001378454.1 (MANE Select); coding-DNA position 6637, G replaced by C.
Protein change: p.Asp2213His; replaces aspartic acid 2213 with histidine.
Molecular consequence: missense variant.
Genome position (GRCh38, 1-based): chr2:73,453,164, G>C. VCF-style: chr2-73453164-G-C. GRCh37 (hg19) VCF-style: chr2-73680291-G-C.
Other names: c.6640G>C, p.Asp2214His (NM_015120.4); short protein forms D2214H, D2213H.
Identifiers: ClinVar variation 1954518 (VCV001954518.7), dbSNP rs367656336, ClinGen allele CA347288866.
Genomic context (GRCh38, chr2:73,453,164, plus strand): 5'-GAGAATCACAAGCTTGTTTCAGAACATGTCCAAAGGCTAATAGATAATTTGAATTCTTCT[G>C]ACTCCAGTGTTAGCTCAAATAATGTGCTTTTAAATTCTCAGGCTGATGACAGAGTTGTAA-3'
Protein context (NP_001365383.1, residues 2203-2223): QRLIDNLNSS[Asp2213His]SSVSSNNVLL